The following is an entry in ClinVar:

ClinVar aggregate classification (germline): Uncertain significance. Review status: criteria provided, multiple submitters, no conflicts (2 of 4 stars). 2 submissions from 2 submitters: Uncertain significance (2). Last evaluated 2021-09-01.

Conditions:
Brody myopathy. Also called: BRODY DISEASE. Identifiers: Orphanet 53347, MedGen C1832918, MONDO:0010977, OMIM 601003.

Allele frequency attached by ClinVar (database versions not stated): TOPMed 0.00001; ExAC 0.00002; gnomAD exomes 0.00003.

Submissions (2):

Labcorp Genetics (formerly Invitae), Labcorp
Classification: Uncertain significance for Brody myopathy. Last evaluated: 2021-09-01. Review status: criteria provided, single submitter. Criteria: Invitae Variant Classification Sherloc (09022015). Collection method: clinical testing. Allele origin: germline.
Comment: This sequence change replaces leucine with isoleucine at codon 445 of the ATP2A1 protein (p.Leu445Ile). The leucine residue is highly conserved and there is a small physicochemical difference between leucine and isoleucine. This variant is present in population databases (rs748412702, ExAC 0.03%). This variant has not been reported in the literature in individuals affected with ATP2A1-related conditions. Algorithms developed to predict the effect of missense changes on protein structure and function are either unavailable or do not agree on the potential impact of this missense change (SIFT: "Deleterious"; PolyPhen-2: "Probably Damaging"; Align-GVGD: "Class C0"). In summary, the available evidence is currently insufficient to determine the role of this variant in disease. Therefore, it has been classified as a Variant of Uncertain Significance.

Revvity Omics, Revvity
Classification: Uncertain significance for Brody myopathy. Last evaluated: 2019-08-12. Review status: criteria provided, single submitter. Criteria: ACMG Guidelines, 2015. Collection method: clinical testing. Allele origin: germline.

NM_004320.6(ATP2A1):c.1333C>A (p.Leu445Ile)

Gene: ATP2A1 (ATPase sarcoplasmic/endoplasmic reticulum Ca2+ transporting 1; plus strand). Cytogenetic location: 16p11.2.
Variant type: single nucleotide variant.
Coding change: c.1333C>A on transcript NM_004320.6 (MANE Select); coding-DNA position 1333, C replaced by A.
Protein change: p.Leu445Ile; replaces leucine 445 with isoleucine.
Molecular consequence: missense variant.
Genome position (GRCh38, 1-based): chr16:28,894,867, C>A. VCF-style: chr16-28894867-C-A. GRCh37 (hg19) VCF-style: chr16-28906188-C-A.
Other names: c.958C>A, p.Leu320Ile (NM_001286075.2); c.1333C>A, p.Leu445Ile (NM_173201.5); c.1333C>A (NM_173201.3); short protein forms L320I, L445I.
Identifiers: ClinVar variation 1439254 (VCV001439254.7), dbSNP rs748412702, ClinGen allele CA7986934.